The following is an entry in ClinVar:

NM_005982.4(SIX1):c.338G>A (p.Arg113Gln)

Gene: SIX1 (SIX homeobox 1; minus strand). Cytogenetic location: 14q23.1.
Variant type: single nucleotide variant.
Coding change: c.338G>A on transcript NM_005982.4 (MANE Select); coding-DNA position 338, G replaced by A.
Protein change: p.Arg113Gln; replaces arginine 113 with glutamine.
Molecular consequence: missense variant.
Genome position (GRCh38, 1-based): chr14:60,648,852, C>T on the plus strand (G>A on the coding strand, the complement: SIX1 is on the minus strand). VCF-style: chr14-60648852-C-T. GRCh37 (hg19) VCF-style: chr14-61115570-C-T.
Other names: short protein forms R113Q.
Identifiers: ClinVar variation 1064898 (VCV001064898.3), dbSNP rs2140241207, ClinGen allele CA389910529.
Genomic context (GRCh38, chr14:60,648,852, plus strand): 5'-TCCTTGAAGCAGTAGCTGGTCTCCTCGCCGTCCCAGATGGTGCGCGGCAGTGGAAATTTT[C>T]GGCGCACCCGATATTTGCCCACGGCGCCCAGGGGTCGGCCGCGCAGCTTCTCGGCCTCCA-3'
Protein context (NP_005973.1, residues 103-123): LGAVGKYRVR[Arg113Gln]KFPLPRTIWD

ClinVar aggregate classification (germline): Uncertain significance (1 of 4 stars; one submission).

Conditions:
Hearing impairment. Also called: Impaired Hearing. Identifiers: MedGen C1384666, MONDO:0005365, HP:0000365.

Submission:

Department of Otolaryngology – Head & Neck Surgery, Cochlear Implant Center
Classification: Uncertain significance for Hearing impairment. Last evaluated: 2021-04-12. Review status: criteria provided, single submitter. Criteria: ClinGen HL ACMG Specifications v1. Collection method: clinical testing. Allele origin: germline. Affected: yes.
Comment: PM2_Moderate, PP3_Supporting